The following is an entry in ClinVar:

ClinVar aggregate classification (germline): Likely benign. Review status: criteria provided, multiple submitters, no conflicts (2 of 4 stars). 2 submissions from 2 submitters: Likely benign (2). Last evaluated 2026-06-04.

gnomAD v4.1: 22 of 1,500,888 alleles (0.0015%); highest among the groups gnomAD compares: African/African-American, 0.027%; no homozygotes.

Submissions (2):

Women's Health and Genetics/Laboratory Corporation of America, LabCorp
Classification: Likely benign. Last evaluated: 2026-06-04. Review status: criteria provided, single submitter. Criteria: LabCorp Variant Classification Summary - May 2015. Collection method: clinical testing. Allele origin: germline.
Comment: Variant summary: OBSL1 c.4990-5C>T alters a non-conserved nucleotide located at a position not widely known to affect splicing. Consensus agreement among computation tools predict no significant impact on normal splicing. However, these predictions have yet to be confirmed by functional studies. The variant allele was found at a frequency of 1e-05 in 96976 control chromosomes. The available data on variant occurrences in the general population are insufficient to allow any conclusion about variant significance. To our knowledge, no occurrence of c.4990-5C>T in individuals affected with OBSL1-related conditions and no experimental evidence demonstrating its impact on protein function have been reported. ClinVar contains an entry for this variant (Variation ID: 4749213). Based on the evidence outlined above, the variant was classified as likely benign.

Labcorp Genetics (formerly Invitae), Labcorp
Classification: Likely benign. Last evaluated: 2025-12-23. Review status: criteria provided, single submitter. Criteria: Invitae Variant Classification Sherloc (09022015). Collection method: clinical testing. Allele origin: germline.

NM_015311.3(OBSL1):c.4990-5C>T

Gene: OBSL1 (obscurin like cytoskeletal adaptor 1; minus strand). Cytogenetic location: 2q35.
Variant type: single nucleotide variant.
Coding change: c.4990-5C>T on transcript NM_015311.3 (MANE Select); 5 bases into the intron before coding-DNA position 4990, C replaced by T.
Molecular consequence: intron variant.
Genome position (GRCh38, 1-based): chr2:219,553,029, G>A on the plus strand (C>T on the coding strand, the complement: OBSL1 is on the minus strand). VCF-style: chr2-219553029-G-A. GRCh37 (hg19) VCF-style: chr2-220417751-G-A.
Identifiers: ClinVar variation 4749213 (VCV004749213.2).